The following is an entry in ClinVar:

ClinVar aggregate classification (germline): Benign/Likely benign. Review status: criteria provided, multiple submitters, no conflicts (2 of 4 stars). 3 submissions from 3 submitters: Benign (2); Likely benign (1). Last evaluated 2026-02-04.

Conditions:
Autosomal recessive limb-girdle muscular dystrophy type 2J (LGMDR10). Also called: Limb-girdle muscular dystrophy, type 2J; MUSCULAR DYSTROPHY, LIMB-GIRDLE, AUTOSOMAL RECESSIVE 10. Identifiers: Orphanet 140922, MedGen C1837342, MONDO:0012127, OMIM 608807.
Dilated cardiomyopathy 1G (CMD1G). Identifiers: Orphanet 154, MedGen C1858763, MONDO:0011400, OMIM 604145.

Allele frequency attached by ClinVar (database versions not stated): gnomAD 0.00012 and 0.00017; TOPMed 0.00019; ExAC 0.00029; gnomAD exomes 0.00043; 1000 Genomes Project 0.00080; 1000 Genomes Project 30x 0.00109.
gnomAD v4.1: 209 of 1,560,734 alleles (0.013%); highest among the groups gnomAD compares: East Asian, 0.35%; 1 homozygote.

Submissions (3):

Labcorp Genetics (formerly Invitae), Labcorp
Classification: Benign for Dilated cardiomyopathy 1G; Autosomal recessive limb-girdle muscular dystrophy type 2J. Last evaluated: 2026-02-04. Review status: criteria provided, single submitter. Criteria: Invitae Variant Classification Sherloc (09022015). Collection method: clinical testing. Allele origin: germline.

Blueprint Genetics
Classification: Likely benign. Last evaluated: 2024-03-08. Review status: criteria provided, single submitter. Criteria: ACMG Guidelines, 2015. Collection method: clinical testing. Allele origin: germline.

Women's Health and Genetics/Laboratory Corporation of America, LabCorp
Classification: Benign. Last evaluated: 2021-04-15. Review status: criteria provided, single submitter. Criteria: LabCorp Variant Classification Summary - May 2015. Collection method: clinical testing. Allele origin: germline.
Comment: Variant summary: TTN c.11486-17C>T alters a conserved nucleotide located close to a canonical splice site and therefore could affect mRNA splicing, leading to a significantly altered protein sequence. 4/4 computational tools predict no significant impact on normal splicing. However, these predictions have yet to be confirmed by functional studies. The variant allele was found at a frequency of 0.00043 in 206458 control chromosomes, predominantly at a frequency of 0.0051 within the East Asian subpopulation in the gnomAD database. The observed variant frequency within East Asian control individuals in the gnomAD database is approximately 13 fold of the estimated maximal expected allele frequency for a pathogenic variant in TTN causing Dilated Cardiomyopathy phenotype (0.00039), strongly suggesting that the variant is a benign polymorphism found primarily in populations of East Asian origin. To our knowledge, no occurrence of c.11486-17C>T in individuals affected with Dilated Cardiomyopathy and no experimental evidence demonstrating its impact on protein function have been reported. No clinical diagnostic laboratories have submitted clinical-significance assessments for this variant to ClinVar after 2014. Based on the evidence outlined above, the variant was classified as benign.

NM_001267550.2(TTN):c.15218-17C>T

Gene: TTN (titin; minus strand). Cytogenetic location: 2q31.2.
Variant type: single nucleotide variant.
Coding change: c.15218-17C>T on transcript NM_001267550.2 (MANE Select); 17 bases into the intron before coding-DNA position 15218, C replaced by T.
Molecular consequence: intron variant.
Genome position (GRCh38, 1-based): chr2:178,734,623, G>A on the plus strand (C>T on the coding strand, the complement: TTN is on the minus strand). VCF-style: chr2-178734623-G-A. GRCh37 (hg19) VCF-style: chr2-179599350-G-A.
Other names: c.13282+3459C>T (NM_003319.4); c.13858+3459C>T (NM_133437.4); c.13657+3459C>T (NM_133432.3); c.11486-17C>T (NM_133378.4); c.14267-17C>T (NM_001256850.1).
Identifiers: ClinVar variation 1065172 (VCV001065172.10), dbSNP rs192438325, ClinGen allele CA2002263.